The following is an entry in ClinVar:

NM_000477.7(ALB):c.1378A>T (p.Lys460Ter)

Gene: ALB (albumin; plus strand). Cytogenetic location: 4q13.3.
Variant type: single nucleotide variant.
Coding change: c.1378A>T on transcript NM_000477.7 (MANE Select); coding-DNA position 1378, A replaced by T.
Protein change: p.Lys460Ter; replaces lysine 460 with a stop codon.
Molecular consequence: nonsense.
Genome position (GRCh38, 1-based): chr4:73,417,619, A>T. VCF-style: chr4-73417619-A-T. GRCh37 (hg19) VCF-style: chr4-74283336-A-T.
Other names: short protein forms K460*.
Identifiers: ClinVar variation 2788444 (VCV002788444.3), dbSNP rs2476140446, ClinGen allele CA357243524.
Genomic context (GRCh38, chr4:73,417,619, plus strand): 5'-CCCCAAGTGTCAACTCCAACTCTTGTAGAGGTCTCAAGAAACCTAGGAAAAGTGGGCAGC[A>T]AATGTTGTAAACATCCTGAAGCAAAAAGAATGCCCTGTGCAGAAGACTATGTGAGTCTTT-3'

ClinVar aggregate classification (germline): Pathogenic (1 of 4 stars; one submission).

Submission:

Labcorp Genetics (formerly Invitae), Labcorp
Classification: Pathogenic. Last evaluated: 2023-02-21. Review status: criteria provided, single submitter. Criteria: Invitae Variant Classification Sherloc (09022015). Collection method: clinical testing. Allele origin: germline.
Comment: For these reasons, this variant has been classified as Pathogenic. This variant has not been reported in the literature in individuals affected with ALB-related conditions. This sequence change creates a premature translational stop signal (p.Lys460*) in the ALB gene. It is expected to result in an absent or disrupted protein product. Loss-of-function variants in ALB are known to be pathogenic (PMID: 12028999). This variant is not present in population databases (gnomAD no frequency).

Literature cited by the submitters: PubMed 12028999.